The following is an entry in ClinVar:

ClinVar aggregate classification (germline): Likely benign (0 of 4 stars; one submission).

Conditions:
EP300-related disorder. Also called: EP300-related condition; EP300-related disorders.

Allele frequency attached by ClinVar (database versions not stated): gnomAD 0.00001; TOPMed 0.00001; ExAC 0.00003.
gnomAD v4.1: 41 of 1,614,058 alleles (0.0025%); highest among the groups gnomAD compares: Middle Eastern, 0.033%; no homozygotes.

Submission:

PreventionGenetics, part of Exact Sciences
Classification: Likely benign for EP300-related condition. Last evaluated: 2022-04-04. Review status: no assertion criteria provided. Collection method: clinical testing. Allele origin: germline.
Comment: This variant is classified as likely benign based on ACMG/AMP sequence variant interpretation guidelines (Richards et al. 2015 PMID: 25741868, with internal and published modifications).

NM_001429.4(EP300):c.29C>G (p.Pro10Arg)

Gene: EP300 (E1A binding protein p300; plus strand). Cytogenetic location: 22q13.2.
Variant type: single nucleotide variant.
Coding change: c.29C>G on transcript NM_001429.4 (MANE Select); coding-DNA position 29, C replaced by G.
Protein change: p.Pro10Arg; replaces proline 10 with arginine.
Molecular consequence: missense variant.
Genome position (GRCh38, 1-based): chr22:41,093,033, C>G. VCF-style: chr22-41093033-C-G. GRCh37 (hg19) VCF-style: chr22-41489037-C-G.
Other names: c.29C>G, p.Pro10Arg (NM_001362843.2); short protein forms P10R.
Identifiers: ClinVar variation 3038262 (VCV003038262.2), dbSNP rs764405219, ClinGen allele CA10252139.
Genomic context (GRCh38, chr22:41,093,033, plus strand): 5'-TTTCCTCGCTTGTATCTCCGAAAGAATTAAAAATGGCCGAGAATGTGGTGGAACCGGGGC[C>G]GCCTTCAGCCAAGCGGCCTAAACTCTCATCTCCGGCCCTCTCGGCGTCCGCCAGCGATGG-3'
Protein context (NP_001420.2, residues 1-20): MAENVVEPG[Pro10Arg]PSAKRPKLSS